The following is an entry in ClinVar:

ClinVar aggregate classification (germline): Uncertain significance (1 of 4 stars; one submission).

Conditions:
Charcot-Marie-Tooth disease, type IA (CMT1A). Also called: HEREDITARY MOTOR AND SENSORY NEUROPATHY IA; CHARCOT-MARIE-TOOTH DISEASE, DEMYELINATING, TYPE 1A; CHARCOT-MARIE-TOOTH DISEASE, AUTOSOMAL DOMINANT, WITH FOCALLY FOLDED MYELIN SHEATHS, TYPE 1A; CHARCOT-MARIE-TOOTH NEUROPATHY, TYPE 1A; Charcot-Marie-Tooth disease type 1A; CMT 1A. Identifiers: Orphanet 101081, MedGen C0270911, MONDO:0007309, OMIM 118220.

gnomAD v4.1: 4 of 1,613,380 alleles (0.00025%); highest among the groups gnomAD compares: South Asian, 0.0033%; no homozygotes.

Submission:

Neuberg Centre For Genomic Medicine, NCGM
Classification: Uncertain significance for Charcot-Marie-Tooth disease, type IA. Review status: criteria provided, single submitter. Criteria: ACMG Guidelines, 2015. Collection method: clinical testing. Allele origin: germline. Affected: yes.
Comment: The missense variant p.H34Q in PMP22 (NM_000304.4) has not been reported previously as a pathogenic variant nor as a benign variant, to our knowledge.The missense variant c.102C>A (p.H34Q) in PMP22 (NM_000304.4) is observed in 4/30606 (0.0131%) alleles from individuals of South Asian background in the gnomAD dataset (Exome Aggregation Consortium et al., 2016), but was not seen in the homozygous state. In silico predictions are contradictory (SIFT: Damging, SIFT: Tolerated) and the residue is weakly conserved across species. For these reasons, this variant has been classified as Uncertain Significance.

NM_000304.4(PMP22):c.102C>A (p.His34Gln)

Gene: PMP22 (peripheral myelin protein 22; minus strand). Cytogenetic location: 17p12.
Variant type: single nucleotide variant.
Coding change: c.102C>A on transcript NM_000304.4 (MANE Select); coding-DNA position 102, C replaced by A.
Protein change: p.His34Gln; replaces histidine 34 with glutamine.
Molecular consequence: missense variant. On other transcripts: non-coding transcript variant (1).
Genome position (GRCh38, 1-based): chr17:15,259,170, G>T on the plus strand (C>A on the coding strand, the complement: PMP22 is on the minus strand). VCF-style: chr17-15259170-G-T. GRCh37 (hg19) VCF-style: chr17-15162487-G-T.
Other names: c.102C>A, p.His34Gln (NM_001281455.2, NM_001281456.2, NM_001330143.2 and 2 more transcripts); short protein forms H34Q.
Identifiers: ClinVar variation 1339254 (VCV001339254.2), dbSNP rs779654897, ClinGen allele CA8403426.